The following is an entry in ClinVar:

NM_001166114.2(PNPLA6):c.2928C>G (p.Gly976=)

Gene: PNPLA6 (patatin like domain 6, lysophospholipase; plus strand). Cytogenetic location: 19p13.2.
Variant type: single nucleotide variant.
Coding change: c.2928C>G on transcript NM_001166114.2 (MANE Select); coding-DNA position 2928, C replaced by G.
Protein change: p.Gly976=; no amino-acid change (glycine 976 retained).
Molecular consequence: synonymous variant.
Genome position (GRCh38, 1-based): chr19:7,555,359, C>G. VCF-style: chr19-7555359-C-G. GRCh37 (hg19) VCF-style: chr19-7620245-C-G.
Other names: c.2958C>G, p.Gly986= (NM_001166111.2); c.2733C>G, p.Gly911= (NM_001166112.2); c.2814C>G, p.Gly938= (NM_001166113.1, NM_006702.5).
Identifiers: ClinVar variation 2649164 (VCV002649164.24), dbSNP rs553944725, ClinGen allele CA505404785.
Genomic context (GRCh38, chr19:7,555,359, plus strand): 5'-CTTCTCCCGCTTGGCGAGGGTGCTCACGGGGAACACCATTGCCCTTGTGCTAGGCGGGGG[C>G]GGGGCCAGGTGAGGGCGGGGCTTGCTCTCTGGGGGCGGGGCCTGGATGTCCGAGGGTGGA-3'
Protein context (NP_001159586.1, residues 966-986): GNTIALVLGG[Gly976=]GARGCSHIGV

ClinVar aggregate classification (germline): Likely benign (1 of 4 stars; one submission).

gnomAD v4.1: 6 of 1,004,692 alleles (0.0006%); highest among the groups gnomAD compares: African/African-American, 0.0019%; no homozygotes.

Submission:

CeGaT Center for Human Genetics Tuebingen
Classification: Likely benign. Last evaluated: 2022-11-01. Review status: criteria provided, single submitter. Criteria: CeGaT Center For Human Genetics Tuebingen Variant Classification Criteria Version 2. Collection method: clinical testing. Allele origin: germline. Affected: yes. Observed: 1 variant allele.
Comment: PNPLA6: BP4, BP7